The following is an entry in ClinVar:

NM_001844.5(COL2A1):c.2393_2406del (p.Gly798fs)

Gene: COL2A1 (collagen type II alpha 1 chain; minus strand). Cytogenetic location: 12q13.11.
Variant type: Deletion.
Coding change: c.2393_2406del on transcript NM_001844.5 (MANE Select); coding-DNA positions 2393 to 2406, 14 bases deleted (GTGCTAATGGCGAG).
Protein change: p.Gly798fs; shifts the reading frame from glycine 798.
Molecular consequence: frameshift variant.
Genome position (GRCh38, 1-based): chr12:47,981,779-47,981,792, CTCGCCATTAGCAC deleted on the plus strand (GTGCTAATGGCGAG on the coding strand, the reverse complement: COL2A1 is on the minus strand); deleting any 14 consecutive bases within chr12:47,981,779-47,981,793 gives the same sequence; the c. name uses the placement nearest the transcript's 3' end. VCF-style (leftmost placement, unchanged base first): chr12-47981778-TCTCGCCATTAGCAC-T. GRCh37 (hg19) VCF-style: chr12-48375561-TCTCGCCATTAGCAC-T.
Other names: c.2186_2199del, p.Gly729fs (NM_033150.3); short protein forms G798fs, G729fs.
Identifiers: ClinVar variation 1447269 (VCV001447269.6), dbSNP rs2136544532, ClinGen allele CA2573148586.

ClinVar aggregate classification (germline): Pathogenic (1 of 4 stars; one submission).

Submission:

Labcorp Genetics (formerly Invitae), Labcorp
Classification: Pathogenic. Last evaluated: 2021-09-03. Review status: criteria provided, single submitter. Criteria: Invitae Variant Classification Sherloc (09022015). Collection method: clinical testing. Allele origin: germline.
Comment: For these reasons, this variant has been classified as Pathogenic. This variant has not been reported in the literature in individuals affected with COL2A1-related conditions. This variant is not present in population databases (ExAC no frequency). This sequence change creates a premature translational stop signal (p.Gly798Glufs*21) in the COL2A1 gene. It is expected to result in an absent or disrupted protein product. Loss-of-function variants in COL2A1 are known to be pathogenic (PMID: 20179744).

Literature cited by the submitters: PubMed 20179744.